The following is an entry in ClinVar:

NM_001206927.2(DNAH8):c.13219C>T (p.Gln4407Ter)

Gene: DNAH8 (dynein axonemal heavy chain 8; plus strand). Cytogenetic location: 6p21.2.
Variant type: single nucleotide variant.
Coding change: c.13219C>T on transcript NM_001206927.2 (MANE Select); coding-DNA position 13219, C replaced by T.
Protein change: p.Gln4407Ter; replaces glutamine 4407 with a stop codon.
Molecular consequence: nonsense.
Genome position (GRCh38, 1-based): chr6:39,008,818, C>T. VCF-style: chr6-39008818-C-T. GRCh37 (hg19) VCF-style: chr6-38976594-C-T.
Other names: c.12568C>T, p.Gln4190Ter (NM_001371.4); short protein forms Q4190*, Q4407*.
Identifiers: ClinVar variation 4805957 (VCV004805957.1).

ClinVar aggregate classification (germline): Pathogenic (1 of 4 stars; one submission).

Conditions:
Primary ciliary dyskinesia. Also called: Ciliary dyskinesia. Identifiers: Orphanet 244, MedGen C0008780, MONDO:0016575, HP:0012265.

Submission:

Labcorp Genetics (formerly Invitae), Labcorp
Classification: Pathogenic for Primary ciliary dyskinesia. Last evaluated: 2025-12-01. Review status: criteria provided, single submitter. Criteria: Invitae Variant Classification Sherloc (09022015). Collection method: clinical testing. Allele origin: germline.
Comment: This sequence change creates a premature translational stop signal (p.Gln4407*) in the DNAH8 gene. It is expected to result in an absent or disrupted protein product. Loss-of-function variants in DNAH8 are known to be pathogenic (PMID: 24307375, 32619401, 32681648). This variant is not present in population databases (gnomAD no frequency). This variant has not been reported in the literature in individuals affected with DNAH8-related conditions. For these reasons, this variant has been classified as Pathogenic.

Literature cited by the submitters: PubMed 24307375; PubMed 32619401; PubMed 32681648.